The following is an entry in ClinVar:

ClinVar aggregate classification (germline): Uncertain significance (1 of 4 stars; one submission).

Allele frequency attached by ClinVar (database versions not stated): ExAC 0.00001; gnomAD 0.00001; gnomAD exomes 0.00001; TOPMed 0.00001.
gnomAD v4.1: 8 of 1,614,052 alleles (0.0005%); highest among the groups gnomAD compares: East Asian, 0.0045%; no homozygotes.

Submission:

Labcorp Genetics (formerly Invitae), Labcorp
Classification: Uncertain significance. Last evaluated: 2022-09-06. Review status: criteria provided, single submitter. Criteria: Invitae Variant Classification Sherloc (09022015). Collection method: clinical testing. Allele origin: germline.
Comment: This sequence change replaces valine, which is neutral and non-polar, with methionine, which is neutral and non-polar, at codon 716 of the ZMIZ1 protein (p.Val716Met). This variant is present in population databases (rs747078150, gnomAD 0.0009%). In summary, the available evidence is currently insufficient to determine the role of this variant in disease. Therefore, it has been classified as a Variant of Uncertain Significance. Algorithms developed to predict the effect of missense changes on protein structure and function are either unavailable or do not agree on the potential impact of this missense change (SIFT: "Tolerated"; PolyPhen-2: "Possibly Damaging"; Align-GVGD: "Class C0"). This variant has not been reported in the literature in individuals affected with ZMIZ1-related conditions.

NM_020338.4(ZMIZ1):c.2146G>A (p.Val716Met)

Gene: ZMIZ1 (zinc finger MIZ-type containing 1; plus strand). Cytogenetic location: 10q22.3.
Variant type: single nucleotide variant.
Coding change: c.2146G>A on transcript NM_020338.4 (MANE Select); coding-DNA position 2146, G replaced by A.
Protein change: p.Val716Met; replaces valine 716 with methionine.
Molecular consequence: missense variant.
Genome position (GRCh38, 1-based): chr10:79,304,035, G>A. VCF-style: chr10-79304035-G-A. GRCh37 (hg19) VCF-style: chr10-81063792-G-A.
Other names: short protein forms V716M.
Identifiers: ClinVar variation 1718452 (VCV001718452.5), dbSNP rs747078150, ClinGen allele CA5572925.